The following is an entry in ClinVar:

ClinVar aggregate classification (germline): Uncertain significance. Review status: criteria provided, multiple submitters, no conflicts (2 of 4 stars). 5 submissions from 5 submitters: Uncertain significance (4). 1 of the submissions does not count toward it. Last evaluated 2025-01-28.

Conditions:
Glycogen storage disease, type II (IOPD). Also called: Glucosidase acid-1,4-alpha deficiency; Pompe Disease; GLYCOGENOSIS, GENERALIZED, CARDIAC FORM; GSD II; Glycogen storage disease type 2; Acid maltase deficiency disease. Identifiers: Orphanet 365, MedGen C0017921, MONDO:0009290, OMIM 232300.
Cardiovascular phenotype. Identifiers: MedGen CN230736.

Allele frequency attached by ClinVar (database versions not stated): gnomAD exomes 0.00001; TOPMed 0.00001; gnomAD 0.00002.
gnomAD v4.1: 14 of 1,611,914 alleles (0.00087%); highest among the groups gnomAD compares: Admixed American, 0.012%; no homozygotes.

Submissions (5):

Revvity Omics, Revvity
Classification: Uncertain significance. Last evaluated: 2025-01-28. Review status: criteria provided, single submitter. Criteria: ACMG Guidelines, 2015. Collection method: clinical testing. Allele origin: germline.

Labcorp Genetics (formerly Invitae), Labcorp
Classification: Uncertain significance for Glycogen storage disease, type II. Last evaluated: 2022-07-02. Review status: criteria provided, single submitter. Criteria: Invitae Variant Classification Sherloc (09022015). Collection method: clinical testing. Allele origin: germline.
Comment: This sequence change replaces asparagine, which is neutral and polar, with serine, which is neutral and polar, at codon 815 of the GAA protein (p.Asn815Ser). This variant is present in population databases (no rsID available, gnomAD 0.009%). This variant has not been reported in the literature in individuals affected with GAA-related conditions. ClinVar contains an entry for this variant (Variation ID: 969645). Algorithms developed to predict the effect of missense changes on protein structure and function (SIFT, PolyPhen-2, Align-GVGD) all suggest that this variant is likely to be tolerated. Algorithms developed to predict the effect of sequence changes on RNA splicing suggest that this variant may create or strengthen a splice site. In summary, the available evidence is currently insufficient to determine the role of this variant in disease. Therefore, it has been classified as a Variant of Uncertain Significance.

Ambry Genetics
Classification: Uncertain significance for Cardiovascular phenotype. Last evaluated: 2022-06-10. Review status: criteria provided, single submitter. Criteria: Ambry Variant Classification Scheme 2023. Collection method: clinical testing. Allele origin: germline.

GeneDx
Classification: Uncertain significance. Last evaluated: 2021-05-26. Review status: criteria provided, single submitter. Criteria: GeneDx Variant Classification Process June 2021. Collection method: clinical testing. Allele origin: germline. Affected: yes.
Comment: Not observed at significant frequency in large population cohorts (Lek et al., 2016); In silico analysis supports that this missense variant has a deleterious effect on protein structure/function; Has not been previously published as pathogenic or benign to our knowledge

Natera, Inc.
Classification: Uncertain significance for Glycogen storage disease type II. Last evaluated: 2020-03-14. Review status: no assertion criteria provided. Collection method: clinical testing. Allele origin: germline. Not counted in ClinVar's aggregate classification.

NM_000152.5(GAA):c.2444A>G (p.Asn815Ser)

Gene: GAA (alpha glucosidase; plus strand). Cytogenetic location: 17q25.3.
Variant type: single nucleotide variant.
Coding change: c.2444A>G on transcript NM_000152.5 (MANE Select); coding-DNA position 2444, A replaced by G.
Protein change: p.Asn815Ser; replaces asparagine 815 with serine.
Molecular consequence: missense variant.
Genome position (GRCh38, 1-based): chr17:80,117,712, A>G. VCF-style: chr17-80117712-A-G. GRCh37 (hg19) VCF-style: chr17-78091511-A-G.
Other names: c.2444A>G, p.Asn815Ser (NM_001079803.3, NM_001079804.3); short protein forms N815S.
Identifiers: ClinVar variation 969645 (VCV000969645.12), dbSNP rs1365945556, ClinGen allele CA401325232.